The following is an entry in ClinVar:

ClinVar aggregate classification (germline): Uncertain significance (1 of 4 stars; one submission).

Submission:

Labcorp Genetics (formerly Invitae), Labcorp
Classification: Uncertain significance. Last evaluated: 2022-09-15. Review status: criteria provided, single submitter. Criteria: Invitae Variant Classification Sherloc (09022015). Collection method: clinical testing. Allele origin: germline.
Comment: This sequence change replaces glutamic acid, which is acidic and polar, with aspartic acid, which is acidic and polar, at codon 180 of the KAT6A protein (p.Glu180Asp). This variant is not present in population databases (gnomAD no frequency). This variant has not been reported in the literature in individuals affected with KAT6A-related conditions. Advanced modeling of protein sequence and biophysical properties (such as structural, functional, and spatial information, amino acid conservation, physicochemical variation, residue mobility, and thermodynamic stability) performed at Invitae indicates that this missense variant is not expected to disrupt KAT6A protein function. In summary, the available evidence is currently insufficient to determine the role of this variant in disease. Therefore, it has been classified as a Variant of Uncertain Significance.

NM_006766.5(KAT6A):c.540G>C (p.Glu180Asp)

Gene: KAT6A (lysine acetyltransferase 6A; minus strand). Cytogenetic location: 8p11.21.
Variant type: single nucleotide variant.
Coding change: c.540G>C on transcript NM_006766.5 (MANE Select); coding-DNA position 540, G replaced by C.
Protein change: p.Glu180Asp; replaces glutamic acid 180 with aspartic acid.
Molecular consequence: missense variant.
Genome position (GRCh38, 1-based): chr8:42,048,438, C>G on the plus strand (G>C on the coding strand, the complement: KAT6A is on the minus strand). VCF-style: chr8-42048438-C-G. GRCh37 (hg19) VCF-style: chr8-41905956-C-G.
Other names: c.540G>C, p.Glu180Asp (NM_001305878.2); short protein forms E180D.
Identifiers: ClinVar variation 1719501 (VCV001719501.5), dbSNP rs1198419368, ClinGen allele CA371174460.